The following is an entry in ClinVar:

ClinVar aggregate classification (germline): Uncertain significance (1 of 4 stars; one submission).

Submission:

Ambry Genetics
Classification: Uncertain significance. Last evaluated: 2021-10-14. Review status: criteria provided, single submitter. Criteria: Ambry Variant Classification Scheme 2023. Collection method: clinical testing. Allele origin: germline.
Comment: The p.P478S variant (also known as c.1432C>T), located in coding exon 13 of the BUB1 gene, results from a C to T substitution at nucleotide position 1432. The proline at codon 478 is replaced by serine, an amino acid with similar properties. This amino acid position is conserved. In addition, this alteration is predicted to be tolerated by in silico analysis. Since supporting evidence is limited at this time, the clinical significance of this alteration remains unclear.

NM_004336.5(BUB1):c.1432C>T (p.Pro478Ser)

Gene: BUB1 (BUB1 mitotic checkpoint serine/threonine kinase; minus strand). Cytogenetic location: 2q13.
Variant type: single nucleotide variant.
Coding change: c.1432C>T on transcript NM_004336.5 (MANE Select); coding-DNA position 1432, C replaced by T.
Protein change: p.Pro478Ser; replaces proline 478 with serine.
Molecular consequence: missense variant.
Genome position (GRCh38, 1-based): chr2:110,658,494, G>A on the plus strand (C>T on the coding strand, the complement: BUB1 is on the minus strand). VCF-style: chr2-110658494-G-A. GRCh37 (hg19) VCF-style: chr2-111416071-G-A.
Other names: c.1372C>T, p.Pro458Ser (NM_001278616.2); c.1432C>T, p.Pro478Ser (NM_001278617.2); short protein forms P458S, P478S.
Identifiers: ClinVar variation 1772530 (VCV001772530.2), dbSNP rs1346387768, ClinGen allele CA348212423.